The following is an entry in ClinVar:

NM_144573.4(NEXN):c.1826C>T (p.Pro609Leu)

Gene: NEXN (nexilin F-actin binding protein; plus strand). Cytogenetic location: 1p31.1.
Variant type: single nucleotide variant.
Coding change: c.1826C>T on transcript NM_144573.4 (MANE Select); coding-DNA position 1826, C replaced by T.
Protein change: p.Pro609Leu; replaces proline 609 with leucine.
Molecular consequence: missense variant.
Genome position (GRCh38, 1-based): chr1:77,942,627, C>T. VCF-style: chr1-77942627-C-T. GRCh37 (hg19) VCF-style: chr1-78408312-C-T.
Other names: c.1634C>T, p.Pro545Leu (NM_001172309.2); short protein forms P545L, P609L.
Identifiers: ClinVar variation 4844842 (VCV004844842.1).
Genomic context (GRCh38, chr1:77,942,627, plus strand): 5'-AAAACACATCAGTTGTAGACAGTGAGCCAGTCAGATTTACGGTTAAAGTAACAGGAGAAC[C>T]CAAACCAGAAATTACATGGTGGTTTGAAGGAGAAATACTGCAGGATGGAGAAGACTATCA-3'
Protein context (NP_653174.3, residues 599-619): VRFTVKVTGE[Pro609Leu]KPEITWWFEG

ClinVar aggregate classification (germline): Uncertain significance (1 of 4 stars; one submission).

Conditions:
Cardiovascular phenotype. Identifiers: MedGen CN230736.

Submission:

Ambry Genetics
Classification: Uncertain significance for Cardiovascular phenotype. Last evaluated: 2026-02-22. Review status: criteria provided, single submitter. Criteria: Ambry Variant Classification Scheme 2023. Collection method: clinical testing. Allele origin: germline.
Comment: The p.P609L variant (also known as c.1826C>T), located in coding exon 12 of the NEXN gene, results from a C to T substitution at nucleotide position 1826. The proline at codon 609 is replaced by leucine, an amino acid with similar properties. This amino acid position is conserved. In addition, this alteration is predicted to be deleterious by in silico analysis. Based on the available evidence, the clinical significance of this variant remains unclear.